The following is an entry in ClinVar:

NM_001004334.4(GPR179):c.1091C>T (p.Thr364Ile)

Gene: GPR179 (G protein-coupled receptor 179; minus strand). Cytogenetic location: 17q12.
Variant type: single nucleotide variant.
Coding change: c.1091C>T on transcript NM_001004334.4 (MANE Select); coding-DNA position 1091, C replaced by T.
Protein change: p.Thr364Ile; replaces threonine 364 with isoleucine.
Molecular consequence: missense variant.
Genome position (GRCh38, 1-based): chr17:38,337,114, G>A on the plus strand (C>T on the coding strand, the complement: GPR179 is on the minus strand). VCF-style: chr17-38337114-G-A. GRCh37 (hg19) VCF-style: chr17-36492997-G-A.
Other names: c.1091C>T (NM_001004334.2); short protein forms T364I.
Identifiers: ClinVar variation 1420322 (VCV001420322.5), dbSNP rs1017382815, ClinGen allele CA290109395.

ClinVar aggregate classification (germline): Uncertain significance. Review status: criteria provided, multiple submitters, no conflicts (2 of 4 stars). 2 submissions from 2 submitters: Uncertain significance (2). Last evaluated 2025-09-04.

Conditions:
Inborn genetic diseases. Identifiers: MedGen C0950123, MeSH D030342.

Allele frequency attached by ClinVar (database versions not stated): gnomAD exomes below 0.00001 and 0.00001; TOPMed 0.00002.

Submissions (2):

Ambry Genetics
Classification: Uncertain significance for Inborn genetic diseases. Last evaluated: 2025-09-04. Review status: criteria provided, single submitter. Criteria: Ambry Variant Classification Scheme 2023. Collection method: clinical testing. Allele origin: germline.

Labcorp Genetics (formerly Invitae), Labcorp
Classification: Uncertain significance. Last evaluated: 2022-01-13. Review status: criteria provided, single submitter. Criteria: Invitae Variant Classification Sherloc (09022015). Collection method: clinical testing. Allele origin: germline.
Comment: In summary, the available evidence is currently insufficient to determine the role of this variant in disease. Therefore, it has been classified as a Variant of Uncertain Significance. Algorithms developed to predict the effect of missense changes on protein structure and function (SIFT, PolyPhen-2, Align-GVGD) all suggest that this variant is likely to be tolerated. This variant has not been reported in the literature in individuals affected with GPR179-related conditions. This variant is present in population databases (no rsID available, gnomAD 0.007%). This sequence change replaces threonine, which is neutral and polar, with isoleucine, which is neutral and non-polar, at codon 364 of the GPR179 protein (p.Thr364Ile).